The following is an entry in ClinVar:

ClinVar aggregate classification (germline): Uncertain significance (0 of 4 stars; one submission).

Conditions:
Carcinoma of colon (CRC). Also called: Colonic carcinoma; Colon carcinoma. Identifiers: MedGen C0699790, MONDO:0002032.

Submission:

Immunobiology Lab; University of Kashmir
Classification: Uncertain significance for Carcinoma of colon. Last evaluated: 2013-04-19. Review status: no assertion criteria provided. Collection method: case-control. Allele origin: somatic. Affected: yes. Study: Mutational Hotspot profiling of Tyrosine Kinase domain of VEGF receptors in Human colorectal tumors.
Comment: The variation(s) were confirmed by double pass sequencing of PCR products amplified from genomic DNA of colonic lesions fron colorectal patients

NM_002019.4(FLT1):c.2439_2466del (p.Tyr815fs)

Gene: FLT1 (fms related receptor tyrosine kinase 1; minus strand). Cytogenetic location: 13q12.3.
Variant type: Deletion.
Coding change: c.2439_2466del on transcript NM_002019.4 (MANE Select); coding-DNA positions 2439 to 2466, 28 bases deleted (CCCTTATGATGCCAGCAAGTGGGAGTTT).
Protein change: p.Tyr815fs; shifts the reading frame from tyrosine 815.
Molecular consequence: frameshift variant.
Genome position (GRCh38, 1-based): chr13:28,339,190-28,339,217, AAACTCCCACTTGCTGGCATCATAAGGG deleted on the plus strand (CCCTTATGATGCCAGCAAGTGGGAGTTT on the coding strand, the reverse complement: FLT1 is on the minus strand); deleting any 28 consecutive bases within chr13:28,339,190-28,339,218 gives the same sequence; the c. name uses the placement nearest the transcript's 3' end. VCF-style (leftmost placement, unchanged base first): chr13-28339189-CAAACTCCCACTTGCTGGCATCATAAGGG-C. GRCh37 (hg19) VCF-style: chr13-28913326-CAAACTCCCACTTGCTGGCATCATAAGGG-C.
Other names: KF002713; short protein forms Y815fs.
Identifiers: ClinVar variation 204359 (VCV000204359.3), dbSNP rs796052115, ClinGen allele CA251300.